The following is an entry in ClinVar:

ClinVar aggregate classification (germline): Likely benign. Review status: criteria provided, multiple submitters, no conflicts (2 of 4 stars). 2 submissions from 2 submitters: Likely benign (2). Last evaluated 2025-10-09.

Conditions:
Hypertrophic cardiomyopathy. Also called: HYPERTROPHIC MYOCARDIOPATHY. Identifiers: Orphanet 217569, MedGen C0007194, MeSH D002312, MONDO:0005045, HP:0001639.

Allele frequency attached by ClinVar (database versions not stated): ExAC 0.00002; TOPMed 0.00002; ESP Exome Variant Server 0.00008.
gnomAD v4.1: 7 of 1,595,012 alleles (0.00044%); highest among the groups gnomAD compares: Non-Finnish European, 0.00051%; no homozygotes.

Submissions (2):

Labcorp Genetics (formerly Invitae), Labcorp
Classification: Likely benign for Hypertrophic cardiomyopathy. Last evaluated: 2025-10-09. Review status: criteria provided, single submitter. Criteria: Invitae Variant Classification Sherloc (09022015). Collection method: clinical testing. Allele origin: germline.

GeneDx
Classification: Likely benign. Last evaluated: 2018-02-12. Review status: criteria provided, single submitter. Criteria: GeneDx Variant Classification (06012015). Collection method: clinical testing. Allele origin: germline. Affected: yes.
Comment: This variant is considered likely benign or benign based on one or more of the following criteria: it is a conservative change, it occurs at a poorly conserved position in the protein, it is predicted to be benign by multiple in silico algorithms, and/or has population frequency not consistent with disease.

NM_020433.5(JPH2):c.1169+16G>C

Gene: JPH2 (junctophilin 2; minus strand). Cytogenetic location: 20q13.12.
Variant type: single nucleotide variant.
Coding change: c.1169+16G>C on transcript NM_020433.5 (MANE Select); 16 bases into the intron after coding-DNA position 1169, G replaced by C.
Molecular consequence: intron variant.
Genome position (GRCh38, 1-based): chr20:44,159,602, C>G on the plus strand (G>C on the coding strand, the complement: JPH2 is on the minus strand). VCF-style: chr20-44159602-C-G. GRCh37 (hg19) VCF-style: chr20-42788242-C-G.
Identifiers: ClinVar variation 515479 (VCV000515479.4), dbSNP rs375515254, ClinGen allele CA9868724.